The following is an entry in ClinVar:

NM_001278116.2(L1CAM):c.1552A>G (p.Thr518Ala)

Gene: L1CAM (L1 cell adhesion molecule; minus strand). Cytogenetic location: Xq28.
Variant type: single nucleotide variant.
Coding change: c.1552A>G on transcript NM_001278116.2 (MANE Select); coding-DNA position 1552, A replaced by G.
Protein change: p.Thr518Ala; replaces threonine 518 with alanine.
Molecular consequence: missense variant.
Genome position (GRCh38, 1-based): chrX:153,868,453, T>C on the plus strand (A>G on the coding strand, the complement: L1CAM is on the minus strand). VCF-style: chrX-153868453-T-C. GRCh37 (hg19) VCF-style: chrX-153133908-T-C.
Other names: c.1552A>G, p.Thr518Ala (NM_000425.5, NM_024003.3); c.1537A>G, p.Thr513Ala (NM_001143963.2); c.1552A>G (NM_000425.3); short protein forms T518A, T513A.
Identifiers: ClinVar variation 2810349 (VCV002810349.4), dbSNP rs2521001069, ClinGen allele CA415125360.
Genomic context (GRCh38, chrX:153,868,453, plus strand): 5'-TGAAGGTCACCCTGGAACCTTTCTTCTCGATTGTGCTGCGGGGCCCCTGAGTGATCTGAG[T>C]TGCATCTGAGGGTAATGCGTGCGTGGGGAAGTCACTCTGTTGTCCTCCAGAGGCCCAGAC-3'
Protein context (NP_001265045.1, residues 508-528): IMANLKVKDA[Thr518Ala]QITQGPRSTI

ClinVar aggregate classification (germline): Conflicting classifications of pathogenicity. Review status: criteria provided, conflicting classifications (1 of 4 stars). 2 submissions from 2 submitters: Likely pathogenic (1); Uncertain significance (1). Last evaluated 2024-03-01.

Conditions:
Spastic paraplegia. Identifiers: MedGen C0037772, HP:0001258.

Submissions (2):

GeneDx
Classification: Likely pathogenic. Last evaluated: 2024-03-01. Review status: criteria provided, single submitter. Criteria: GeneDx Variant Classification Process June 2021. Collection method: clinical testing. Allele origin: germline. Affected: yes.
Comment: Not observed at significant frequency in large population cohorts (gnomAD); In silico analysis supports that this missense variant has a deleterious effect on protein structure/function; Has not been previously published as pathogenic or benign to our knowledge

Labcorp Genetics (formerly Invitae), Labcorp
Classification: Uncertain significance for Spastic paraplegia. Last evaluated: 2022-10-28. Review status: criteria provided, single submitter. Criteria: Invitae Variant Classification Sherloc (09022015). Collection method: clinical testing. Allele origin: germline.
Comment: In summary, the available evidence is currently insufficient to determine the role of this variant in disease. Therefore, it has been classified as a Variant of Uncertain Significance. Algorithms developed to predict the effect of missense changes on protein structure and function (SIFT, PolyPhen-2, Align-GVGD) all suggest that this variant is likely to be disruptive. This variant has not been reported in the literature in individuals affected with L1CAM-related conditions. This variant is not present in population databases (gnomAD no frequency). This sequence change replaces threonine, which is neutral and polar, with alanine, which is neutral and non-polar, at codon 518 of the L1CAM protein (p.Thr518Ala).